The following is an entry in ClinVar:

NM_015896.4(ZMYND10):c.1018C>T (p.Arg340Trp)

Gene: ZMYND10 (zinc finger MYND-type containing 10; minus strand). Cytogenetic location: 3p21.31.
Variant type: single nucleotide variant.
Coding change: c.1018C>T on transcript NM_015896.4 (MANE Select); coding-DNA position 1018, C replaced by T.
Protein change: p.Arg340Trp; replaces arginine 340 with tryptophan.
Molecular consequence: missense variant.
Genome position (GRCh38, 1-based): chr3:50,341,913, G>A on the plus strand (C>T on the coding strand, the complement: ZMYND10 is on the minus strand). VCF-style: chr3-50341913-G-A. GRCh37 (hg19) VCF-style: chr3-50379344-G-A.
Other names: c.1003C>T, p.Arg335Trp (NM_001308379.2); short protein forms R335W, R340W.
Identifiers: ClinVar variation 2192015 (VCV002192015.1), dbSNP rs748003863, ClinGen allele CA2417017.
Genomic context (GRCh38, chr3:50,341,913, plus strand): 5'-CATGCTGGAGCTGGTGCTTGGCAATTGCCTGCCACTTGCCTCTGTTTTCTCGCTCCAGCC[G>A]CTCCCAGATTTCTGGGATCTAGGAGAGAGAAGTGGAGAGTGGCAGGAAGGTGCTGGTAAA-3'
Protein context (NP_056980.2, residues 330-350): VLEQIPEIWE[Arg340Trp]LERENRGKWQ

ClinVar aggregate classification (germline): Uncertain significance (1 of 4 stars; one submission).

Conditions:
Primary ciliary dyskinesia. Also called: Ciliary dyskinesia. Identifiers: Orphanet 244, MedGen C0008780, MONDO:0016575, HP:0012265.

Allele frequency attached by ClinVar (database versions not stated): TOPMed below 0.00001; gnomAD 0.00001.

Submission:

Labcorp Genetics (formerly Invitae), Labcorp
Classification: Uncertain significance for Primary ciliary dyskinesia. Last evaluated: 2022-07-11. Review status: criteria provided, single submitter. Criteria: Invitae Variant Classification Sherloc (09022015). Collection method: clinical testing. Allele origin: germline.
Comment: This sequence change replaces arginine, which is basic and polar, with tryptophan, which is neutral and slightly polar, at codon 340 of the ZMYND10 protein (p.Arg340Trp). This variant is present in population databases (rs748003863, gnomAD 0.003%). This variant has not been reported in the literature in individuals affected with ZMYND10-related conditions. Algorithms developed to predict the effect of missense changes on protein structure and function are either unavailable or do not agree on the potential impact of this missense change (SIFT: "Deleterious"; PolyPhen-2: "Benign"; Align-GVGD: "Class C15"). In summary, the available evidence is currently insufficient to determine the role of this variant in disease. Therefore, it has been classified as a Variant of Uncertain Significance.